The following is an entry in ClinVar:

ClinVar aggregate classification (germline): Benign/Likely benign. Review status: criteria provided, multiple submitters, no conflicts (2 of 4 stars). 3 submissions from 3 submitters: Benign (1); Likely benign (2). Last evaluated 2024-10-08.

Conditions:
Familial cancer of breast. Also called: hereditary breast carcinoma; BREAST CANCER, FAMILIAL; Hereditary breast cancer. Identifiers: Orphanet 227535, MedGen C0346153, MONDO:0016419, OMIM 114480. Disease mechanism: loss of function.
Hereditary cancer-predisposing syndrome. Also called: Hereditary neoplastic syndrome; Neoplastic Syndromes, Hereditary; Hereditary Cancer Syndrome; Tumor predisposition. Identifiers: Orphanet 140162, MedGen C0027672, MeSH D009386, MONDO:0015356.

Submissions (3):

Myriad Genetics, Inc.
Classification: Benign for Familial cancer of breast. Last evaluated: 2024-10-08. Review status: criteria provided, single submitter. Criteria: Myriad Autosomal Dominant, Autosomal Recessive and X-Linked Classification Criteria (2023). Collection method: clinical testing. Allele origin: unknown.
Comment: This variant is considered benign. This variant is a silent/synonymous amino acid change and it is not expected to impact splicing.

Ambry Genetics
Classification: Likely benign for Hereditary cancer-predisposing syndrome. Last evaluated: 2023-12-01. Review status: criteria provided, single submitter. Criteria: Ambry Variant Classification Scheme 2023. Collection method: clinical testing. Allele origin: germline.

Labcorp Genetics (formerly Invitae), Labcorp
Classification: Likely benign for Familial cancer of breast. Last evaluated: 2023-11-17. Review status: criteria provided, single submitter. Criteria: Invitae Variant Classification Sherloc (09022015). Collection method: clinical testing. Allele origin: germline.

NM_007194.4(CHEK2):c.1575G>A (p.Gly525=)

Gene: CHEK2 (checkpoint kinase 2; minus strand). Cytogenetic location: 22q12.1.
Variant type: single nucleotide variant.
Coding change: c.1575G>A on transcript NM_007194.4 (MANE Select); coding-DNA position 1575, G replaced by A.
Protein change: p.Gly525=; no amino-acid change (glycine 525 retained).
Molecular consequence: synonymous variant.
Genome position (GRCh38, 1-based): chr22:28,687,954, C>T on the plus strand (G>A on the coding strand, the complement: CHEK2 is on the minus strand). VCF-style: chr22-28687954-C-T. GRCh37 (hg19) VCF-style: chr22-29083942-C-T.
Other names: c.1704G>A, p.Gly568= (NM_001005735.3); c.912G>A, p.Gly304= (NM_001257387.3); c.1374G>A, p.Gly458= (NM_001349956.3); c.1488G>A, p.Gly496= (NM_145862.3).
Identifiers: ClinVar variation 1560002 (VCV001560002.11), dbSNP rs770307891, ClinGen allele CA513944665.